The following is an entry in ClinVar:

NM_013275.6(ANKRD11):c.7132G>A (p.Asp2378Asn)

Gene: ANKRD11 (ankyrin repeat domain containing 11; minus strand). Cytogenetic location: 16q24.3.
Variant type: single nucleotide variant.
Coding change: c.7132G>A on transcript NM_013275.6 (MANE Select); coding-DNA position 7132, G replaced by A.
Protein change: p.Asp2378Asn; replaces aspartic acid 2378 with asparagine.
Molecular consequence: missense variant.
Genome position (GRCh38, 1-based): chr16:89,279,410, C>T on the plus strand (G>A on the coding strand, the complement: ANKRD11 is on the minus strand). VCF-style: chr16-89279410-C-T. GRCh37 (hg19) VCF-style: chr16-89345818-C-T.
Other names: c.7132G>A, p.Asp2378Asn (NM_001256182.2, NM_001256183.2); short protein forms D2378N.
Identifiers: ClinVar variation 1254611 (VCV001254611.2), dbSNP rs1036666745, ClinGen allele CA286509486.

ClinVar aggregate classification (germline): Uncertain significance (1 of 4 stars; one submission).

Allele frequency attached by ClinVar (database versions not stated): gnomAD 0.00001; gnomAD exomes 0.00001; TOPMed 0.00001.
gnomAD v4.1: 9 of 1,537,722 alleles (0.00059%); highest among the groups gnomAD compares: South Asian, 0.0083%; no homozygotes.

Submission:

GeneDx
Classification: Uncertain significance. Last evaluated: 2021-08-05. Review status: criteria provided, single submitter. Criteria: GeneDx Variant Classification Process June 2021. Collection method: clinical testing. Allele origin: germline. Affected: yes.
Comment: Has not been previously published as pathogenic or benign to our knowledge; Not observed at a significant frequency in large population cohorts (Lek et al., 2016); Missense variant in a gene in which most reported pathogenic variants are truncating/loss-of-function; In silico analysis supports that this missense variant has a deleterious effect on protein structure/function